The following is an entry in ClinVar:

ClinVar aggregate classification (germline): Likely benign (0 of 4 stars; one submission).

Conditions:
BBS2-related disorder. Also called: BBS2-related disorders; BBS2-related condition. Identifiers: MedGen CN239228.

Submission:

PreventionGenetics, part of Exact Sciences
Classification: Likely benign for BBS2-related condition. Last evaluated: 2020-12-18. Review status: no assertion criteria provided. Collection method: clinical testing. Allele origin: germline.
Comment: This variant is classified as likely benign based on ACMG/AMP sequence variant interpretation guidelines (Richards et al. 2015 PMID: 25741868, with internal and published modifications).

NM_031885.5(BBS2):c.201T>A (p.Ser67=)

Gene: BBS2 (Bardet-Biedl syndrome 2; minus strand). Cytogenetic location: 16q13.
Variant type: single nucleotide variant.
Coding change: c.201T>A on transcript NM_031885.5 (MANE Select); coding-DNA position 201, T replaced by A.
Protein change: p.Ser67=; no amino-acid change (serine 67 retained).
Molecular consequence: synonymous variant. On other transcripts: non-coding transcript variant (5).
Genome position (GRCh38, 1-based): chr16:56,514,597, A>T on the plus strand (T>A on the coding strand, the complement: BBS2 is on the minus strand). VCF-style: chr16-56514597-A-T. GRCh37 (hg19) VCF-style: chr16-56548509-A-T.
Other names: c.201T>A, p.Ser67= (NM_001377456.1).
Identifiers: ClinVar variation 3358537 (VCV003358537.1).